The following is an entry in ClinVar:

ClinVar aggregate classification (germline): Pathogenic (0 of 4 stars; one submission).

Conditions:
Breast-ovarian cancer, familial, susceptibility to, 1 (BROVCA1). Also called: BRCA1 Hereditary Breast and Ovarian Cancer; OVARIAN CANCER, SUSCEPTIBILITY TO. Identifiers: Orphanet 145, MedGen C2676676, MONDO:0011450, OMIM 604370. Disease mechanism: loss of function.

Submission:

MVZ Praenatalmedizin und Genetik Nuernberg
Classification: Pathogenic for Breast-ovarian cancer, familial, susceptibility to, 1. Last evaluated: 2017-08-01. Review status: no assertion criteria provided. Collection method: clinical testing. Allele origin: somatic. Affected: yes.
Comment: The variant is expected to result in a frameshift with premature termination and is therefore rated pathogenic.

NM_007294.4(BRCA1):c.3590del (p.His1197fs)

Genes: BRCA1 (BRCA1 DNA repair associated; minus strand), LOC126862571 (BRD4-independent group 4 enhancer GRCh37_chr17:41243136-41244335; plus strand). Cytogenetic location: 17q21.31.
Variant type: Deletion.
Coding change: c.3590del on transcript NM_007294.4 (MANE Select); coding-DNA position 3590, one base deleted (A; older notation c.3590delA).
Protein change: p.His1197fs; shifts the reading frame from histidine 1197.
Molecular consequence: frameshift variant. On other transcripts: intron variant (135).
Genome position (GRCh38, 1-based): chr17:43,091,941, T deleted on the plus strand (A on the coding strand, the reverse complement: BRCA1 is on the minus strand). VCF-style (leftmost placement, unchanged base first): chr17-43091940-AT-A. GRCh37 (hg19) VCF-style: chr17-41243957-AT-A.
Other names: c.3377del, p.His1126fs (NM_001407571.1, NM_001407853.1, NM_001407894.1 and 9 more transcripts); c.3590del, p.His1197fs (NM_001407581.1, NM_001407582.1, NM_001407583.1 and 30 more transcripts); c.3587del, p.His1196fs (NM_001407587.1, NM_001407590.1, NM_001407591.1 and 22 more transcripts); c.3581del, p.His1194fs (NM_001407646.1, NM_001407647.1); c.3467del, p.His1156fs (NM_001407648.1, NM_001407664.1, NM_001407665.1 and 19 more transcripts); c.3464del, p.His1155fs (NM_001407649.1, NM_001407670.1, NM_001407671.1 and 11 more transcripts); c.3512del, p.His1171fs (NM_001407653.1, NM_001407654.1, NM_001407655.1 and 4 more transcripts); c.3509del, p.His1170fs (NM_001407659.1, NM_001407660.1, NM_001407661.1 and 1 more transcripts); and 41 more; short protein forms H1197fs, H1150fs, H1126fs, H1129fs, H1069fs, H1108fs, H1196fs, H329fs.
Identifiers: ClinVar variation 433193 (VCV000433193.3), dbSNP rs1555587442, ClinGen allele CA645373176.